The following is an entry in ClinVar:

ClinVar aggregate classification (germline): Likely benign. Review status: criteria provided, single submitter (1 of 4 stars). 2 submissions from 2 submitters: Likely benign (1). 1 of the submissions does not count toward it. Last evaluated 2023-10-27.

Conditions:
SLC4A11-related disorder. Also called: SLC4A11-related condition.

Allele frequency attached by ClinVar (database versions not stated): TOPMed 0.00001; gnomAD exomes 0.00008 and 0.00014; gnomAD 0.00009; ExAC 0.00010; 1000 Genomes Project 30x 0.00016; 1000 Genomes Project 0.00020.
gnomAD v4.1: 123 of 1,613,330 alleles (0.0076%); highest among the groups gnomAD compares: South Asian, 0.035%; 3 homozygotes.

Submissions (2):

Labcorp Genetics (formerly Invitae), Labcorp
Classification: Likely benign. Last evaluated: 2023-10-27. Review status: criteria provided, single submitter. Criteria: Invitae Variant Classification Sherloc (09022015). Collection method: clinical testing. Allele origin: germline.

PreventionGenetics, part of Exact Sciences
Classification: Likely benign for SLC4A11-related condition. Last evaluated: 2020-08-03. Review status: no assertion criteria provided. Collection method: clinical testing. Allele origin: germline. Not counted in ClinVar's aggregate classification.
Comment: This variant is classified as likely benign based on ACMG/AMP sequence variant interpretation guidelines (Richards et al. 2015 PMID: 25741868, with internal and published modifications).

NM_001174089.2(SLC4A11):c.1800G>A (p.Ala600=)

Gene: SLC4A11 (solute carrier family 4 member 11; minus strand). Cytogenetic location: 20p13.
Variant type: single nucleotide variant.
Coding change: c.1800G>A on transcript NM_001174089.2 (MANE Select); coding-DNA position 1800, G replaced by A.
Protein change: p.Ala600=; no amino-acid change (alanine 600 retained).
Molecular consequence: synonymous variant. On other transcripts: non-coding transcript variant (1).
Genome position (GRCh38, 1-based): chr20:3,229,395, C>T on the plus strand (G>A on the coding strand, the complement: SLC4A11 is on the minus strand). VCF-style: chr20-3229395-C-T. GRCh37 (hg19) VCF-style: chr20-3210041-C-T.
Other names: c.1929G>A, p.Ala643= (NM_001174090.2); c.1686G>A, p.Ala562= (NM_001363745.2); c.1848G>A, p.Ala616= (NM_032034.4); c.1848G>A (NM_032034.3).
Identifiers: ClinVar variation 1149795 (VCV001149795.11), dbSNP rs199680637, ClinGen allele CA9741719.